The following is an entry in ClinVar:

NM_052988.5(CDK10):c.609-4G>T

Gene: CDK10 (cyclin dependent kinase 10; plus strand). Cytogenetic location: 16q24.3.
Variant type: single nucleotide variant.
Coding change: c.609-4G>T on transcript NM_052988.5 (MANE Select); 4 bases into the intron before coding-DNA position 609, G replaced by T.
Molecular consequence: intron variant.
Genome position (GRCh38, 1-based): chr16:89,694,169, G>T. VCF-style: chr16-89694169-G-T. GRCh37 (hg19) VCF-style: chr16-89760577-G-T.
Other names: c.396-4G>T (NM_001160367.2, NM_052987.4, NM_001098533.3).
Identifiers: ClinVar variation 3489140 (VCV003489140.14).

ClinVar aggregate classification (germline): Conflicting classifications of pathogenicity. Review status: criteria provided, conflicting classifications (1 of 4 stars). 2 submissions from 2 submitters: Uncertain significance (1); Likely benign (1). Last evaluated 2025-01-01.

Conditions:
Inborn genetic diseases. Identifiers: MedGen C0950123, MeSH D030342.

Submissions (2):

CeGaT Center for Human Genetics Tuebingen
Classification: Uncertain significance. Last evaluated: 2025-01-01. Review status: criteria provided, single submitter. Criteria: CeGaT Center For Human Genetics Tuebingen Variant Classification Criteria Version 2. Collection method: clinical testing. Allele origin: germline. Affected: yes. Observed: 1 variant allele.
Comment: CDK10: PM2, BP4

Ambry Genetics
Classification: Likely benign for Inborn genetic diseases. Last evaluated: 2024-08-02. Review status: criteria provided, single submitter. Criteria: Ambry Variant Classification Scheme 2023. Collection method: clinical testing. Allele origin: germline.